The following is an entry in ClinVar:

ClinVar aggregate classification (germline): Uncertain significance (1 of 4 stars; one submission).

Conditions:
Facioscapulohumeral muscular dystrophy 2 (FSHD2). Also called: MUSCULAR DYSTROPHY, FACIOSCAPULOHUMERAL, TYPE 1B; FACIOSCAPULOHUMERAL MUSCULAR DYSTROPHY 2, DIGENIC; FSHD2, DIGENIC. Identifiers: Orphanet 269, MedGen C1834671, MONDO:0008031, OMIM 158901.

Allele frequency attached by ClinVar (database versions not stated): gnomAD exomes below 0.00001; ExAC 0.00002; gnomAD 0.00004; TOPMed 0.00004.
gnomAD v4.1: 9 of 1,610,166 alleles (0.00056%); highest among the groups gnomAD compares: African/African-American, 0.012%; no homozygotes.

Submission:

Labcorp Genetics (formerly Invitae), Labcorp
Classification: Uncertain significance for Facioscapulohumeral muscular dystrophy 2. Last evaluated: 2025-05-13. Review status: criteria provided, single submitter. Criteria: Invitae Variant Classification Sherloc (09022015). Collection method: clinical testing. Allele origin: germline.
Comment: This sequence change replaces serine, which is neutral and polar, with arginine, which is basic and polar, at codon 1218 of the SMCHD1 protein (p.Ser1218Arg). The frequency data for this variant in the population databases is considered unreliable, as metrics indicate poor data quality at this position in the gnomAD database. This variant has not been reported in the literature in individuals affected with SMCHD1-related conditions. ClinVar contains an entry for this variant (Variation ID: 1357867). Invitae Evidence Modeling of protein sequence and biophysical properties (such as structural, functional, and spatial information, amino acid conservation, physicochemical variation, residue mobility, and thermodynamic stability) indicates that this missense variant is not expected to disrupt SMCHD1 protein function with a negative predictive value of 80%. In summary, the available evidence is currently insufficient to determine the role of this variant in disease. Therefore, it has been classified as a Variant of Uncertain Significance.

NM_015295.3(SMCHD1):c.3652A>C (p.Ser1218Arg)

Gene: SMCHD1 (structural maintenance of chromosomes flexible hinge domain containing 1; plus strand). Cytogenetic location: 18p11.32.
Variant type: single nucleotide variant.
Coding change: c.3652A>C on transcript NM_015295.3 (MANE Select); coding-DNA position 3652, A replaced by C.
Protein change: p.Ser1218Arg; replaces serine 1218 with arginine.
Molecular consequence: missense variant.
Genome position (GRCh38, 1-based): chr18:2,743,779, A>C. VCF-style: chr18-2743779-A-C. GRCh37 (hg19) VCF-style: chr18-2743777-A-C.
Other names: short protein forms S1218R.
Identifiers: ClinVar variation 1357867 (VCV001357867.6), dbSNP rs756052658, ClinGen allele CA8871274.